The following is an entry in ClinVar:

ClinVar aggregate classification (germline): Uncertain significance. Review status: criteria provided, multiple submitters, no conflicts (2 of 4 stars). 2 submissions from 2 submitters: Uncertain significance (2). Last evaluated 2025-10-06.

Conditions:
Inborn genetic diseases. Identifiers: MedGen C0950123, MeSH D030342.

Allele frequency attached by ClinVar (database versions not stated): gnomAD exomes below 0.00001.
gnomAD v4.1: 2 of 1,588,836 alleles (0.00013%); highest among the groups gnomAD compares: African/African-American, 0.0014%; no homozygotes.

Submissions (2):

Labcorp Genetics (formerly Invitae), Labcorp
Classification: Uncertain significance. Last evaluated: 2025-10-06. Review status: criteria provided, single submitter. Criteria: Invitae Variant Classification Sherloc (09022015). Collection method: clinical testing. Allele origin: germline.
Comment: This sequence change replaces threonine, which is neutral and polar, with serine, which is neutral and polar, at codon 704 of the PLK4 protein (p.Thr704Ser). This variant is not present in population databases (gnomAD no frequency). This variant has not been reported in the literature in individuals affected with PLK4-related conditions. ClinVar contains an entry for this variant (Variation ID: 2050611). An algorithm developed to predict the effect of missense changes on protein structure and function (PolyPhen-2) suggests that this variant is likely to be disruptive. In summary, the available evidence is currently insufficient to determine the role of this variant in disease. Therefore, it has been classified as a Variant of Uncertain Significance.

Ambry Genetics
Classification: Uncertain significance for Inborn genetic diseases. Last evaluated: 2021-09-27. Review status: criteria provided, single submitter. Criteria: Ambry Variant Classification Scheme 2023. Collection method: clinical testing. Allele origin: germline.

NM_014264.5(PLK4):c.2111C>G (p.Thr704Ser)

Gene: PLK4 (polo like kinase 4; plus strand). Cytogenetic location: 4q28.1.
Variant type: single nucleotide variant.
Coding change: c.2111C>G on transcript NM_014264.5 (MANE Select); coding-DNA position 2111, C replaced by G.
Protein change: p.Thr704Ser; replaces threonine 704 with serine.
Molecular consequence: missense variant.
Genome position (GRCh38, 1-based): chr4:127,892,437, C>G. VCF-style: chr4-127892437-C-G. GRCh37 (hg19) VCF-style: chr4-128813592-C-G.
Other names: c.2015C>G, p.Thr672Ser (NM_001190799.2); c.1988C>G, p.Thr663Ser (NM_001190801.2); short protein forms T672S, T663S, T704S.
Identifiers: ClinVar variation 2050611 (VCV002050611.5), dbSNP rs911447974, ClinGen allele CA105640792.